The following is an entry in ClinVar:

ClinVar aggregate classification (germline): Uncertain significance (1 of 4 stars; one submission).

Conditions:
Inborn genetic diseases. Identifiers: MedGen C0950123, MeSH D030342.

Submission:

Ambry Genetics
Classification: Uncertain significance for Inborn genetic diseases. Last evaluated: 2026-04-27. Review status: criteria provided, single submitter. Criteria: Ambry Variant Classification Scheme 2023. Collection method: clinical testing. Allele origin: germline.
Comment: The p.L310F variant (also known as c.930G>C), located in coding exon 8 of the FANCG gene, results from a G to C substitution at nucleotide position 930. The leucine at codon 310 is replaced by phenylalanine, an amino acid with highly similar properties. This amino acid position is conserved. In addition, the in silico prediction for this alteration is inconclusive. Based on the available evidence, the clinical significance of this variant remains unclear.

NM_004629.2(FANCG):c.930G>C (p.Leu310Phe)

Gene: FANCG (FA complementation group G; minus strand). Cytogenetic location: 9p13.3.
Variant type: single nucleotide variant.
Coding change: c.930G>C on transcript NM_004629.2 (MANE Select); coding-DNA position 930, G replaced by C.
Protein change: p.Leu310Phe; replaces leucine 310 with phenylalanine.
Molecular consequence: missense variant.
Genome position (GRCh38, 1-based): chr9:35,076,578, C>G on the plus strand (G>C on the coding strand, the complement: FANCG is on the minus strand). VCF-style: chr9-35076578-C-G. GRCh37 (hg19) VCF-style: chr9-35076575-C-G.
Other names: short protein forms L310F.
Identifiers: ClinVar variation 4870994 (VCV004870994.1).